The following is an entry in ClinVar:

ClinVar aggregate classification (germline): Uncertain significance (1 of 4 stars; one submission).

Submission:

Labcorp Genetics (formerly Invitae), Labcorp
Classification: Uncertain significance. Last evaluated: 2024-08-22. Review status: criteria provided, single submitter. Criteria: Invitae Variant Classification Sherloc (09022015). Collection method: clinical testing. Allele origin: germline.
Comment: This sequence change replaces glutamine, which is neutral and polar, with arginine, which is basic and polar, at codon 2597 of the ATR protein (p.Gln2597Arg). This variant is not present in population databases (gnomAD no frequency). This variant has not been reported in the literature in individuals affected with ATR-related conditions. An algorithm developed to predict the effect of missense changes on protein structure and function (PolyPhen-2) suggests that this variant is likely to be disruptive. In summary, the available evidence is currently insufficient to determine the role of this variant in disease. Therefore, it has been classified as a Variant of Uncertain Significance.

NM_001184.4(ATR):c.7790A>G (p.Gln2597Arg)

Gene: ATR (ATR checkpoint kinase; minus strand). Cytogenetic location: 3q23.
Variant type: single nucleotide variant.
Coding change: c.7790A>G on transcript NM_001184.4 (MANE Select); coding-DNA position 7790, A replaced by G.
Protein change: p.Gln2597Arg; replaces glutamine 2597 with arginine.
Molecular consequence: missense variant.
Genome position (GRCh38, 1-based): chr3:142,449,574, T>C on the plus strand (A>G on the coding strand, the complement: ATR is on the minus strand). VCF-style: chr3-142449574-T-C. GRCh37 (hg19) VCF-style: chr3-142168416-T-C.
Other names: c.7598A>G, p.Gln2533Arg (NM_001354579.2); short protein forms Q2597R, Q2533R.
Identifiers: ClinVar variation 3704998 (VCV003704998.2).